The following is an entry in ClinVar:

ClinVar aggregate classification (germline): Uncertain significance (1 of 4 stars; one submission).

Conditions:
Epileptic encephalopathy. Identifiers: MedGen C0543888, HP:0200134.

gnomAD v4.1: 1 of 1,611,856 alleles (0.000062%); highest among the groups gnomAD compares: Admixed American, 0.0017%; no homozygotes.

Submission:

Labcorp Genetics (formerly Invitae), Labcorp
Classification: Uncertain significance for Epileptic encephalopathy. Last evaluated: 2024-01-19. Review status: criteria provided, single submitter. Criteria: Invitae Variant Classification Sherloc (09022015). Collection method: clinical testing. Allele origin: germline.
Comment: This sequence change replaces cysteine, which is neutral and slightly polar, with glycine, which is neutral and non-polar, at codon 569 of the FASN protein (p.Cys569Gly). The frequency data for this variant in the population databases is considered unreliable, as metrics indicate poor data quality at this position in the gnomAD database. This variant has not been reported in the literature in individuals affected with FASN-related conditions. An algorithm developed to predict the effect of missense changes on protein structure and function (PolyPhen-2) suggests that this variant is likely to be tolerated. In summary, the available evidence is currently insufficient to determine the role of this variant in disease. Therefore, it has been classified as a Variant of Uncertain Significance.

NM_004104.5(FASN):c.1705T>G (p.Cys569Gly)

Gene: FASN (fatty acid synthase; minus strand). Cytogenetic location: 17q25.3.
Variant type: single nucleotide variant.
Coding change: c.1705T>G on transcript NM_004104.5 (MANE Select); coding-DNA position 1705, T replaced by G.
Protein change: p.Cys569Gly; replaces cysteine 569 with glycine.
Molecular consequence: missense variant.
Genome position (GRCh38, 1-based): chr17:82,090,540, A>C on the plus strand (T>G on the coding strand, the complement: FASN is on the minus strand). VCF-style: chr17-82090540-A-C. GRCh37 (hg19) VCF-style: chr17-80048416-A-C.
Other names: short protein forms C569G.
Identifiers: ClinVar variation 3716010 (VCV003716010.2).